The following is an entry in ClinVar:

ClinVar aggregate classification (germline): Uncertain significance (1 of 4 stars; one submission).

Conditions:
Autosomal recessive nonsyndromic hearing loss 8 (DFNB8). Also called: NEUROSENSORY NONSYNDROMIC RECESSIVE DEAFNESS 8; Deafness, autosomal recessive 10. Identifiers: Orphanet 90636, MedGen C1832827, MONDO:0010987, OMIM 601072.

Allele frequency attached by ClinVar (database versions not stated): gnomAD 0.00001; TOPMed 0.00001.
gnomAD v4.1: 3 of 1,613,490 alleles (0.00019%); highest among the groups gnomAD compares: Non-Finnish European, 0.00025%; no homozygotes.

Submission:

3billion
Classification: Uncertain significance for Autosomal recessive nonsyndromic hearing loss 8. Last evaluated: 2022-09-01. Review status: criteria provided, single submitter. Criteria: ACMG Guidelines, 2015. Collection method: clinical testing. Allele origin: germline. Affected: yes. Observed: 1 homozygote.
Comment: The variant is not observed in the gnomAD v2.1.1 dataset. Missense changes are a common disease-causing mechanism. In silico tool predictions suggest damaging effect of the variant on gene or gene product (REVEL: 0.98; 3Cnet: 1.00). Therefore, this variant is classified as uncertain significance according to the recommendation of ACMG/AMP guideline.

NM_001256317.3(TMPRSS3):c.1192G>A (p.Gly398Arg)

Gene: TMPRSS3 (transmembrane serine protease 3; minus strand). Cytogenetic location: 21q22.3.
Variant type: single nucleotide variant.
Coding change: c.1192G>A on transcript NM_001256317.3 (MANE Select); coding-DNA position 1192, G replaced by A.
Protein change: p.Gly398Arg; replaces glycine 398 with arginine.
Molecular consequence: missense variant.
Genome position (GRCh38, 1-based): chr21:42,375,868, C>T on the plus strand (G>A on the coding strand, the complement: TMPRSS3 is on the minus strand). VCF-style: chr21-42375868-C-T. GRCh37 (hg19) VCF-style: chr21-43795977-C-T.
Other names: c.1195G>A, p.Gly399Arg (NM_024022.4); c.814G>A, p.Gly272Arg (NM_032404.3); short protein forms G272R, G398R, G399R.
Identifiers: ClinVar variation 1705358 (VCV001705358.1), dbSNP rs1272125060, ClinGen allele CA410369053.